The following is an entry in ClinVar:

GRCh37/hg19 10q26.12-26.3(chr10:122509781-135427143)x1

Genes: ABRAXAS2 (abraxas 2, BRISC complex subunit; plus strand), ACADSB (acyl-CoA dehydrogenase short/branched chain; plus strand), ADAM12 (ADAM metallopeptidase domain 12; minus strand), ADAM8 (ADAM metallopeptidase domain 8; minus strand), ADGRA1 (adhesion G protein-coupled receptor A1; plus strand) and 76 more. Cytogenetic location: 10q26.12-26.3.
Variant type: copy number loss.
Change: copy number 1 (one copy instead of two) of chr10:122,509,781-135,427,143 (12.92 Mb, GRCh37 coordinates, 1-based), cytogenetic band 10q26.12-26.3.
Identifiers: ClinVar variation 563798 (VCV000563798.1).

ClinVar aggregate classification (germline): Pathogenic (1 of 4 stars; one submission).

Submission:

Quest Diagnostics Nichols Institute San Juan Capistrano
Classification: Pathogenic. Last evaluated: 2023-08-04. Review status: criteria provided, single submitter. Criteria: ACMG/ClinGen CNV Guidelines, 2019. Collection method: clinical testing. Allele origin: unknown.
Comment: This loss is consistent with the chromosome 10q26 contiguous gene deletion syndrome (OMIM 609625; Iourov 2014, Lacaria 2017, Plaisancie 2014, Laudrier 2016, Tanteles 2015). The current deletion overlaps regions associated with common features of 10q26 deletion syndrome as well as additional phenotypes (Choucair 2015, Lin 2016). Thus, based on gene count and current medical literature, this copy number variant (CNV) is classified as pathogenic. References: Choucair et al., Am J Med Genet A. 2015 Nov;167A(11):2707-13. PMID: 26114870; Iourov et al., Case Rep Genet. 2014;2014:505832. PMID: 24649379; Lacaria et al., Am J Med Genet A. 2017 Jun;173(6):1611-1619. PMID: 28432728; Laudier et al., Am J Med Genet A. 2016 Jul;170(7):1806-12. PMID: 27113058; Lin et al., Mol Med Rep. 2016 Dec;14(6):5134-5140. PMID: 27779662; Plaisancie et al., Eur J Med Genet. 2014 Jan;57(1):47-53. PMID: 24275544; Tanteles et al., Case Rep Genet. 2015;2015:242891. PMID: 26294985